The following is an entry in ClinVar:

NM_020529.3(NFKBIA):c.595G>C (p.Val199Leu)

Gene: NFKBIA (NFKB inhibitor alpha; minus strand). Cytogenetic location: 14q13.2.
Variant type: single nucleotide variant.
Coding change: c.595G>C on transcript NM_020529.3 (MANE Select); coding-DNA position 595, G replaced by C.
Protein change: p.Val199Leu; replaces valine 199 with leucine.
Molecular consequence: missense variant.
Genome position (GRCh38, 1-based): chr14:35,402,812, C>G on the plus strand (G>C on the coding strand, the complement: NFKBIA is on the minus strand). VCF-style: chr14-35402812-C-G. GRCh37 (hg19) VCF-style: chr14-35872018-C-G.
Other names: short protein forms V199L.
Identifiers: ClinVar variation 2820461 (VCV002820461.4), dbSNP rs779399614, ClinGen allele CA389452530.

ClinVar aggregate classification (germline): Uncertain significance. Review status: criteria provided, single submitter (1 of 4 stars). 2 submissions from 2 submitters: Uncertain significance (1). 1 of the submissions does not count toward it. Last evaluated 2024-03-18.

Conditions:
NFKBIA-related disorder. Also called: NFKBIA-related condition.
Ectodermal dysplasia and immunodeficiency 2. Identifiers: Orphanet 238468, Orphanet 98813, MedGen C2677481, MONDO:0012806, OMIM 612132.

Submissions (2):

Labcorp Genetics (formerly Invitae), Labcorp
Classification: Uncertain significance for Ectodermal dysplasia and immunodeficiency 2. Last evaluated: 2024-03-18. Review status: criteria provided, single submitter. Criteria: Invitae Variant Classification Sherloc (09022015). Collection method: clinical testing. Allele origin: germline.
Comment: This sequence change replaces valine, which is neutral and non-polar, with leucine, which is neutral and non-polar, at codon 199 of the NFKBIA protein (p.Val199Leu). This variant is not present in population databases (gnomAD no frequency). This variant has not been reported in the literature in individuals affected with NFKBIA-related conditions. An algorithm developed to predict the effect of missense changes on protein structure and function (PolyPhen-2) suggests that this variant is likely to be disruptive. In summary, the available evidence is currently insufficient to determine the role of this variant in disease. Therefore, it has been classified as a Variant of Uncertain Significance.

PreventionGenetics, part of Exact Sciences
Classification: Uncertain significance for NFKBIA-related condition. Last evaluated: 2024-06-10. Review status: no assertion criteria provided. Collection method: clinical testing. Allele origin: germline. Not counted in ClinVar's aggregate classification.
Comment: The NFKBIA c.595G>C variant is predicted to result in the amino acid substitution p.Val199Leu. To our knowledge, this variant has not been reported in the literature or in a large population database, indicating this variant is rare. At this time, the clinical significance of this variant is uncertain due to the absence of conclusive functional and genetic evidence.